The following is an entry in ClinVar:

ClinVar aggregate classification (germline): Uncertain significance (1 of 4 stars; one submission).

gnomAD v4.1: 26 of 1,607,344 alleles (0.0016%); highest among the groups gnomAD compares: South Asian, 0.029%; no homozygotes.

Submission:

GeneDx
Classification: Uncertain significance. Last evaluated: 2024-09-05. Review status: criteria provided, single submitter. Criteria: GeneDx Variant Classification Process June 2021. Collection method: clinical testing. Allele origin: germline. Affected: yes.
Comment: In silico analysis indicates that this missense variant does not alter protein structure/function; Has not been previously published as pathogenic or benign to our knowledge

NM_176787.5(PIGN):c.1094T>C (p.Val365Ala)

Gene: PIGN (phosphatidylinositol glycan anchor biosynthesis class N; minus strand). Cytogenetic location: 18q21.33.
Variant type: single nucleotide variant.
Coding change: c.1094T>C on transcript NM_176787.5 (MANE Select); coding-DNA position 1094, T replaced by C.
Protein change: p.Val365Ala; replaces valine 365 with alanine.
Molecular consequence: missense variant.
Genome position (GRCh38, 1-based): chr18:62,139,005, A>G on the plus strand (T>C on the coding strand, the complement: PIGN is on the minus strand). VCF-style: chr18-62139005-A-G. GRCh37 (hg19) VCF-style: chr18-59806238-A-G.
Other names: c.1094T>C, p.Val365Ala (NM_012327.6); short protein forms V365A.
Identifiers: ClinVar variation 3767581 (VCV003767581.1).